The following is an entry in ClinVar:

ClinVar aggregate classification (germline): Uncertain significance (1 of 4 stars; one submission).

Conditions:
Hereditary cancer-predisposing syndrome. Also called: Neoplastic Syndromes, Hereditary; Tumor predisposition; Hereditary neoplastic syndrome; Hereditary Cancer Syndrome. Identifiers: Orphanet 140162, MedGen C0027672, MeSH D009386, MONDO:0015356.
Cardiovascular phenotype. Identifiers: MedGen CN230736.

Submission:

Ambry Genetics
Classification: Uncertain significance for Cardiovascular phenotype; Hereditary cancer-predisposing syndrome. Last evaluated: 2018-01-19. Review status: criteria provided, single submitter. Criteria: Ambry Variant Classification Scheme 2023. Collection method: clinical testing. Allele origin: germline.
Comment: The p.V2238A variant (also known as c.6713T>C), located in coding exon 44 of the NF1 gene, results from a T to C substitution at nucleotide position 6713. The valine at codon 2238 is replaced by alanine, an amino acid with similar properties. This amino acid position is highly conserved in available vertebrate species. In addition, the in silico prediction for this alteration is inconclusive. Since supporting evidence is limited at this time, the clinical significance of this alteration remains unclear.

NM_001042492.3(NF1):c.6776T>C (p.Val2259Ala)

Gene: NF1 (neurofibromin 1; plus strand). Cytogenetic location: 17q11.2.
Variant type: single nucleotide variant.
Coding change: c.6776T>C on transcript NM_001042492.3 (MANE Select); coding-DNA position 6776, T replaced by C.
Protein change: p.Val2259Ala; replaces valine 2259 with alanine.
Molecular consequence: missense variant.
Genome position (GRCh38, 1-based): chr17:31,338,096, T>C. VCF-style: chr17-31338096-T-C. GRCh37 (hg19) VCF-style: chr17-29665114-T-C.
Other names: c.6713T>C, p.Val2238Ala (NM_000267.4); short protein forms V2238A, V2259A.
Identifiers: ClinVar variation 826571 (VCV000826571.4), dbSNP rs1597845104, ClinGen allele CA399014135.